The following is an entry in ClinVar:

NM_001605.3(AARS1):c.1939del (p.Gln647fs)

Gene: AARS1 (alanyl-tRNA synthetase 1; minus strand). Cytogenetic location: 16q22.1.
Variant type: Deletion.
Coding change: c.1939del on transcript NM_001605.3 (MANE Select); coding-DNA position 1939, one base deleted (C; older notation c.1939delC).
Protein change: p.Gln647fs; shifts the reading frame from glutamine 647.
Molecular consequence: frameshift variant.
Genome position (GRCh38, 1-based): chr16:70,259,033, G deleted on the plus strand (C on the coding strand, the reverse complement: AARS1 is on the minus strand); the first of 3 consecutive G bases (chr16:70,259,033-70,259,035); deleting any one gives the same sequence. VCF-style (leftmost placement, unchanged base first): chr16-70259032-TG-T. GRCh37 (hg19) VCF-style: chr16-70292935-TG-T.
Other names: short protein forms Q647fs.
Identifiers: ClinVar variation 2825089 (VCV002825089.3), dbSNP rs772774828, ClinGen allele CA8140630.

ClinVar aggregate classification (germline): Pathogenic (1 of 4 stars; one submission).

Conditions:
Charcot-Marie-Tooth disease type 2. Also called: Charcot-Marie-Tooth type 2. Identifiers: Orphanet 64746, MedGen C0270914, MONDO:0018993.

Submission:

Labcorp Genetics (formerly Invitae), Labcorp
Classification: Pathogenic for Charcot-Marie-Tooth disease type 2. Last evaluated: 2022-12-30. Review status: criteria provided, single submitter. Criteria: Invitae Variant Classification Sherloc (09022015). Collection method: clinical testing. Allele origin: germline.
Comment: For these reasons, this variant has been classified as Pathogenic. This variant has not been reported in the literature in individuals affected with AARS-related conditions. This variant is present in population databases (rs772774828, gnomAD 0.009%). This sequence change creates a premature translational stop signal (p.Gln647Asnfs*13) in the AARS gene. It is expected to result in an absent or disrupted protein product. Loss-of-function variants in AARS are known to be pathogenic (PMID: 25817015, 28493438, 34446925).

Literature cited by the submitters: PubMed 25817015; PubMed 28493438; PubMed 34446925.